The following is an entry in ClinVar:

NM_007194.4(CHEK2):c.705G>A (p.Lys235=)

Gene: CHEK2 (checkpoint kinase 2; minus strand). Cytogenetic location: 22q12.1.
Variant type: single nucleotide variant.
Coding change: c.705G>A on transcript NM_007194.4 (MANE Select); coding-DNA position 705, G replaced by A.
Protein change: p.Lys235=; no amino-acid change (lysine 235 retained).
Molecular consequence: synonymous variant.
Genome position (GRCh38, 1-based): chr22:28,711,996, C>T on the plus strand (G>A on the coding strand, the complement: CHEK2 is on the minus strand). VCF-style: chr22-28711996-C-T. GRCh37 (hg19) VCF-style: chr22-29107984-C-T.
Other names: c.834G>A, p.Lys278= (NM_001005735.3); c.42G>A, p.Lys14= (NM_001257387.3); c.504G>A, p.Lys168= (NM_001349956.3); c.705G>A, p.Lys235= (NM_145862.3).
Identifiers: ClinVar variation 491632 (VCV000491632.18), dbSNP rs1555921297, ClinGen allele CA513945203.
Genomic context (GRCh38, chr22:28,711,996, plus strand): 5'-CTTCCTTTTGCTGATGATCTTTATGGCTACTTTCTTACATGTTTTCCTCTCGAAAGCCAG[C>T]TTTACCTCTCCACAGGCACCACTAGAGGGAAAAACAAAGATAGTGATTGTCTGAATGTTT-3'
Protein context (NP_009125.1, residues 225-245): TLGSGACGEV[Lys235=]LAFERKTCKK

ClinVar aggregate classification (germline): Benign/Likely benign. Review status: criteria provided, multiple submitters, no conflicts (2 of 4 stars). 4 submissions from 4 submitters: Benign (1); Likely benign (3). Last evaluated 2024-10-03.

Conditions:
Hereditary cancer-predisposing syndrome. Also called: Hereditary neoplastic syndrome; Tumor predisposition; Hereditary Cancer Syndrome; Neoplastic Syndromes, Hereditary. Identifiers: Orphanet 140162, MedGen C0027672, MeSH D009386, MONDO:0015356.
Familial cancer of breast. Also called: Hereditary breast cancer; hereditary breast carcinoma; BREAST CANCER, FAMILIAL. Identifiers: Orphanet 227535, MedGen C0346153, MONDO:0016419, OMIM 114480. Disease mechanism: loss of function.

gnomAD v4.1: 2 of 1,612,888 alleles (0.00012%); highest among the groups gnomAD compares: Non-Finnish European, 0.00017%; no homozygotes.

Submissions (4):

Myriad Genetics, Inc.
Classification: Benign for Familial cancer of breast. Last evaluated: 2024-10-03. Review status: criteria provided, single submitter. Criteria: Myriad Autosomal Dominant, Autosomal Recessive and X-Linked Classification Criteria (2023). Collection method: clinical testing. Allele origin: unknown.
Comment: This variant is considered benign. This variant is a silent/synonymous amino acid change and it is not expected to impact splicing.

Labcorp Genetics (formerly Invitae), Labcorp
Classification: Likely benign for Familial cancer of breast. Last evaluated: 2024-08-05. Review status: criteria provided, single submitter. Criteria: Invitae Variant Classification Sherloc (09022015). Collection method: clinical testing. Allele origin: germline.

Ambry Genetics
Classification: Likely benign for Hereditary cancer-predisposing syndrome. Last evaluated: 2020-03-10. Review status: criteria provided, single submitter. Criteria: Ambry Variant Classification Scheme 2023. Collection method: clinical testing. Allele origin: germline.

Color Diagnostics, LLC DBA Color Health
Classification: Likely benign for Hereditary cancer-predisposing syndrome. Last evaluated: 2016-12-22. Review status: criteria provided, single submitter. Criteria: ACMG Guidelines, 2015. Collection method: clinical testing. Allele origin: germline.